The following is an entry in ClinVar:

NM_001386140.1(MTTP):c.309del (p.Gly104fs)

Gene: MTTP (microsomal triglyceride transfer protein; plus strand). Cytogenetic location: 4q23.
Variant type: Deletion.
Coding change: c.309del on transcript NM_001386140.1 (MANE Select); coding-DNA position 309, one base deleted (A; older notation c.309delA).
Protein change: p.Gly104fs; shifts the reading frame from glycine 104.
Molecular consequence: frameshift variant.
Genome position (GRCh38, 1-based): chr4:99,583,433, A deleted; the last of 3 consecutive A bases (chr4:99,583,431-99,583,433); deleting any one gives the same sequence. VCF-style (leftmost placement, unchanged base first): chr4-99583430-CA-C. GRCh37 (hg19) VCF-style: chr4-100504587-CA-C.
Other names: c.309del, p.Gly104fs (NM_000253.4); c.60del, p.Gly21fs (NM_001300785.2); short protein forms G104fs, G21fs.
Identifiers: ClinVar variation 5016220 (VCV005016220.1).

ClinVar aggregate classification (germline): Pathogenic (1 of 4 stars; one submission).

Conditions:
Abetalipoproteinaemia (ABL). Also called: MTP DEFICIENCY; Abetalipoproteinemia; Abetalipoproteinemia neuropathy; Apolipoprotein B deficiency; Congenital betalipoprotein deficiency syndrome. Identifiers: Orphanet 14, MedGen C0000744, MONDO:0008692, OMIM 200100, HP:0008181.

Submission:

Myriad Genetics, Inc.
Classification: Pathogenic for Abetalipoproteinaemia. Last evaluated: 2026-08-08. Review status: criteria provided, single submitter. Criteria: Myriad Autosomal Dominant, Autosomal Recessive and X-Linked Classification Criteria (2023). Collection method: clinical testing. Allele origin: unknown.
Comment: NM_000253.2(MTTP):c.309delA(G104Efs*7) is expected to be pathogenic in the context of abetalipoproteinemia. This variant is predicted to lead to an abnormal or absent protein product due to the creation of a premature termination codon in MTTP, a gene where loss-of-function variants are known to be pathogenic. Please note: this variant was assessed in the context of healthy population screening.